The following is an entry in ClinVar:

NM_006080.3(SEMA3A):c.125C>A (p.Ser42Tyr)

Gene: SEMA3A (semaphorin 3A; minus strand). Cytogenetic location: 7q21.11.
Variant type: single nucleotide variant.
Coding change: c.125C>A on transcript NM_006080.3 (MANE Select); coding-DNA position 125, C replaced by A.
Protein change: p.Ser42Tyr; replaces serine 42 with tyrosine.
Molecular consequence: missense variant.
Genome position (GRCh38, 1-based): chr7:84,134,939, G>T on the plus strand (C>A on the coding strand, the complement: SEMA3A is on the minus strand). VCF-style: chr7-84134939-G-T. GRCh37 (hg19) VCF-style: chr7-83764255-G-T.
Other names: short protein forms S42Y.
Identifiers: ClinVar variation 3353915 (VCV003353915.2).

ClinVar aggregate classification (germline): Uncertain significance (1 of 4 stars; one submission).

Conditions:
SEMA3A-related disorder. Also called: SEMA3A-related condition.

Submission:

PreventionGenetics, part of Exact Sciences
Classification: Uncertain significance for SEMA3A-related condition. Last evaluated: 2026-04-06. Review status: criteria provided, single submitter. Criteria: ACMG Guidelines, 2015. Collection method: clinical testing. Allele origin: germline.
Comment: The SEMA3A c.125C>A variant is predicted to result in the amino acid substitution p.Ser42Tyr. To our knowledge, this variant has not been reported in the literature. This variant is reported in 0.012% of alleles in individuals of African descent in gnomAD. At this time, the clinical significance of this variant is uncertain due to the absence of conclusive functional and genetic evidence.